The following is an entry in ClinVar:

ClinVar aggregate classification (germline): Pathogenic (1 of 4 stars; one submission).

Submission:

GeneDx
Classification: Pathogenic. Last evaluated: 2023-05-29. Review status: criteria provided, single submitter. Criteria: GeneDx Variant Classification Process June 2021. Collection method: clinical testing. Allele origin: germline. Affected: yes.
Comment: Identified in the heterozygous state in a patient with dystrophic epidermolysis bullosa pruriginosa and a family history consistent with dominant inheritance in published literature (Drera et al., 2006); An intronic deletion variant predicted to result in a null allele in a gene for which loss of function is a known mechanism of disease; Not observed in large population cohorts (gnomAD); This variant is associated with the following publications: (PMID: 21269315, 19486058, 16965329)

NM_000094.4(COL7A1):c.6900+2_6900+5del

Gene: COL7A1 (collagen type VII alpha 1 chain; minus strand). Cytogenetic location: 3p21.31.
Variant type: Deletion.
Coding change: c.6900+2_6900+5del on transcript NM_000094.4 (MANE Select); the canonical splice donor site of the intron after coding-DNA position 6900 through 5 bases into the intron after coding-DNA position 6900, 4 bases deleted (TGAT; older notation c.6900+2_6900+5delTGAT).
Molecular consequence: splice donor variant.
Genome position (GRCh38, 1-based): chr3:48,572,666-48,572,669, ATCA deleted on the plus strand (TGAT on the coding strand, the reverse complement: COL7A1 is on the minus strand). VCF-style (leftmost placement, unchanged base first): chr3-48572665-GATCA-G. GRCh37 (hg19) VCF-style: chr3-48610098-GATCA-G.
Identifiers: ClinVar variation 2504172 (VCV002504172.1), dbSNP rs2530908786, ClinGen allele CA2580614229.
Genomic context (GRCh38, chr3:48,572,665, plus strand): 5'-GGAAACAGGCTTGTGGGTGAGGCAGAGGAGTTGCTGCAGGGGGTGGAAGTCAGGGTCAAA[GATCA>G]CCTGTCCAGGGGCCCCCGTGGGGCCAGGTTCTCCTTTAGGTCCGACAGGGCCAGGCAGAC-3'